The following is an entry in ClinVar:

NM_000334.4(SCN4A):c.912_929del (p.298_303DTWYGN[1])

Gene: SCN4A (sodium voltage-gated channel alpha subunit 4; minus strand). Cytogenetic location: 17q23.3.
Variant type: Deletion.
Coding change: c.912_929del on transcript NM_000334.4 (MANE Select); coding-DNA positions 912 to 929, 18 bases deleted (CACATGGTATGGCAATGA).
Protein change: p.298_303DTWYGN[1].
Molecular consequence: inframe deletion.
Genome position (GRCh38, 1-based): chr17:63,968,130-63,968,147, TCATTGCCATACCATGTG deleted on the plus strand (CACATGGTATGGCAATGA on the coding strand, the reverse complement: SCN4A is on the minus strand); deleting any 18 consecutive bases within chr17:63,968,130-63,968,155 gives the same sequence; the c. name uses the placement nearest the transcript's 3' end. VCF-style (leftmost placement, unchanged base first): chr17-63968129-CTCATTGCCATACCATGTG-C. GRCh37 (hg19) VCF-style: chr17-62045489-CTCATTGCCATACCATGTG-C.
Identifiers: ClinVar variation 644529 (VCV000644529.8), dbSNP rs1597985318, ClinGen allele CA915950733.

ClinVar aggregate classification (germline): Uncertain significance. Review status: criteria provided, multiple submitters, no conflicts (2 of 4 stars). 3 submissions from 3 submitters: Uncertain significance (3). Last evaluated 2024-08-29.

Conditions:
Congenital myopathy 22B, severe fetal (CMYO22B). Identifiers: MedGen C5830501, MONDO:0957265, OMIM 620369.
Hyperkalemic periodic paralysis. Also called: Gamstorp disease; Familial hyperkalemic periodic paralysis. Identifiers: Orphanet 682, MedGen C0238357, MONDO:0008224, OMIM 170500, HP:0007215.

Submissions (3):

Blueprint Genetics
Classification: Uncertain significance. Last evaluated: 2024-08-29. Review status: criteria provided, single submitter. Criteria: ACMG Guidelines, 2015. Collection method: clinical testing. Allele origin: germline.

Labcorp Genetics (formerly Invitae), Labcorp
Classification: Uncertain significance for Hyperkalemic periodic paralysis. Last evaluated: 2020-01-24. Review status: criteria provided, single submitter. Criteria: Invitae Variant Classification Sherloc (09022015). Collection method: clinical testing. Allele origin: germline.
Comment: This variant, c.912_929del, results in the deletion of 6 amino acids of the SCN4A protein (p.Asp304_Asn309del), but otherwise preserves the integrity of the reading frame. In summary, the available evidence is currently insufficient to determine the role of this variant in disease. Therefore, it has been classified as a Variant of Uncertain Significance. Experimental studies and prediction algorithms are not available for this variant, and the functional significance of the affected amino acid(s) is currently unknown. This variant has not been reported in the literature in individuals with SCN4A-related conditions. This variant is not present in population databases (ExAC no frequency).

Neuberg Centre For Genomic Medicine, NCGM
Classification: Uncertain significance for Congenital myopathy 22B, severe fetal. Review status: criteria provided, single submitter. Criteria: ACMG Guidelines, 2015. Collection method: clinical testing. Allele origin: germline. Inheritance: Autosomal dominant inheritance. Affected: yes.